The following is an entry in ClinVar:

NM_170707.4(LMNA):c.717C>A (p.Ser239Arg)

Gene: LMNA (lamin A/C; plus strand). Cytogenetic location: 1q22.
Variant type: single nucleotide variant.
Coding change: c.717C>A on transcript NM_170707.4 (MANE Select); coding-DNA position 717, C replaced by A.
Protein change: p.Ser239Arg; replaces serine 239 with arginine.
Molecular consequence: missense variant.
Genome position (GRCh38, 1-based): chr1:156,134,882, C>A. VCF-style: chr1-156134882-C-A. GRCh37 (hg19) VCF-style: chr1-156104673-C-A.
Other names: c.381C>A, p.Ser127Arg (NM_001257374.3); c.474C>A, p.Ser158Arg (NM_001282624.2); c.717C>A, p.Ser239Arg (NM_001282625.2, NM_001282626.2, NM_005572.4 and 1 more transcripts); short protein forms S127R, S158R, S239R.
Identifiers: ClinVar variation 1679148 (VCV001679148.8), dbSNP rs2102881081, ClinGen allele CA342817262.
Genomic context (GRCh38, chr1:156,134,882, plus strand): 5'-GCGCCGTCATGAGACCCGACTGGTGGAGATTGACAATGGGAAGCAGCGTGAGTTTGAGAG[C>A]CGGCTGGCGGATGCGCTGCAGGAACTGCGGGCCCAGCATGAGGACCAGGTGGAGCAGTAT-3'
Protein context (NP_733821.1, residues 229-249): IDNGKQREFE[Ser239Arg]RLADALQELR

ClinVar aggregate classification (germline): Conflicting classifications of pathogenicity. Review status: criteria provided, conflicting classifications (1 of 4 stars). 3 submissions from 3 submitters: Likely pathogenic (1); Uncertain significance (2). Last evaluated 2024-02-22.

Conditions:
Charcot-Marie-Tooth disease type 2. Also called: Charcot-Marie-Tooth type 2. Identifiers: Orphanet 64746, MedGen C0270914, MONDO:0018993.
Familial partial lipodystrophy, Dunnigan type. Also called: LIPODYSTROPHY, FAMILIAL, OF LIMBS AND LOWER TRUNK; LIPODYSTROPHY, REVERSE PARTIAL; Partial lipodystrophy, Dunnigan. Identifiers: Orphanet 2348, MedGen C1720860, MONDO:0007906, OMIM 151660.

Submissions (3):

Institute of Human Genetics, University of Leipzig Medical Center
Classification: Likely pathogenic for Familial partial lipodystrophy, Dunnigan type. Last evaluated: 2024-02-22. Review status: criteria provided, single submitter. Criteria: ACMG Guidelines, 2015. Collection method: clinical testing. Allele origin: unknown. Inheritance: Autosomal dominant inheritance. Affected: yes.
Comment: Criteria applied: PM1,PM2,PP3,PP4

Labcorp Genetics (formerly Invitae), Labcorp
Classification: Uncertain significance for Charcot-Marie-Tooth disease type 2. Last evaluated: 2024-02-19. Review status: criteria provided, single submitter. Criteria: Invitae Variant Classification Sherloc (09022015). Collection method: clinical testing. Allele origin: germline.
Comment: This sequence change replaces serine, which is neutral and polar, with arginine, which is basic and polar, at codon 239 of the LMNA protein (p.Ser239Arg). This variant is not present in population databases (gnomAD no frequency). This missense change has been observed in individual(s) with dyslipidemia (PMID: 32041611). ClinVar contains an entry for this variant (Variation ID: 1679148). Advanced modeling of protein sequence and biophysical properties (such as structural, functional, and spatial information, amino acid conservation, physicochemical variation, residue mobility, and thermodynamic stability) performed at Invitae indicates that this missense variant is expected to disrupt LMNA protein function with a positive predictive value of 95%. In summary, the available evidence is currently insufficient to determine the role of this variant in disease. Therefore, it has been classified as a Variant of Uncertain Significance.

Blueprint Genetics
Classification: Uncertain significance. Last evaluated: 2022-04-15. Review status: criteria provided, single submitter. Criteria: ACMG Guidelines, 2015. Collection method: clinical testing. Allele origin: germline.

Literature cited by the submitters: PubMed 32041611 (cited by Labcorp Genetics (formerly Invitae), Labcorp).